The following is an entry in ClinVar:

ClinVar aggregate classification (germline): Uncertain significance (1 of 4 stars; one submission).

Conditions:
Duchenne muscular dystrophy (DMD). Also called: Duchenne Muscular Dystrophy (DMD); MUSCULAR DYSTROPHY, PSEUDOHYPERTROPHIC PROGRESSIVE, DUCHENNE TYPE. Identifiers: Orphanet 98896, MedGen C0013264, MONDO:0010679, OMIM 310200.

Submission:

Labcorp Genetics (formerly Invitae), Labcorp
Classification: Uncertain significance for Duchenne muscular dystrophy. Last evaluated: 2021-06-30. Review status: criteria provided, single submitter. Criteria: Invitae Variant Classification Sherloc (09022015). Collection method: clinical testing. Allele origin: germline.
Comment: Algorithms developed to predict the effect of missense changes on protein structure and function are either unavailable or do not agree on the potential impact of this missense change (SIFT: "Tolerated"; PolyPhen-2: "Possibly Damaging"; Align-GVGD: "Class C0"). In summary, the available evidence is currently insufficient to determine the role of this variant in disease. Therefore, it has been classified as a Variant of Uncertain Significance. This variant has not been reported in the literature in individuals affected with DMD-related conditions. This sequence change replaces glutamic acid with lysine at codon 8 of the DMD protein (p.Glu8Lys). The glutamic acid residue is moderately conserved and there is a small physicochemical difference between glutamic acid and lysine. This variant is not present in population databases (ExAC no frequency).

NM_004006.3(DMD):c.22G>A (p.Glu8Lys)

Gene: DMD (dystrophin; minus strand). Cytogenetic location: Xp21.1.
Variant type: single nucleotide variant.
Coding change: c.22G>A on transcript NM_004006.3 (MANE Select); coding-DNA position 22, G replaced by A.
Protein change: p.Glu8Lys; replaces glutamic acid 8 with lysine.
Molecular consequence: missense variant. On other transcripts: intron variant (1).
Genome position (GRCh38, 1-based): chrX:33,211,291, C>T on the plus strand (G>A on the coding strand, the complement: DMD is on the minus strand). VCF-style: chrX-33211291-C-T. GRCh37 (hg19) VCF-style: chrX-33229408-C-T.
Other names: c.7+127968G>A (NM_000109.4); short protein forms E8K.
Identifiers: ClinVar variation 1487709 (VCV001487709.8), dbSNP rs2148864111, ClinGen allele CA412675124.